The following is an entry in ClinVar:

NM_080425.4(GNAS):c.1156G>A (p.Ala386Thr)

Gene: GNAS (GNAS complex locus; plus strand). Cytogenetic location: 20q13.32.
Variant type: single nucleotide variant.
Coding change: c.1156G>A on transcript NM_080425.4 (MANE Plus Clinical); coding-DNA position 1156, G replaced by A.
Protein change: p.Ala386Thr; replaces alanine 386 with threonine.
Molecular consequence: missense variant. On other transcripts: synonymous variant (2), intron variant (3).
Genome position (GRCh38, 1-based): chr20:58,854,421, G>A. VCF-style: chr20-58854421-G-A. GRCh37 (hg19) VCF-style: chr20-57429476-G-A.
Other names: c.969G>A, p.Gln323= (NM_001077490.3, NM_001309883.1); c.1156G>A, p.Ala386Thr (NM_001410913.1); c.*42+13535G>A (NM_016592.5); c.43+13535G>A (NM_001410912.1); c.-39+12546G>A (NM_001309861.2); short protein forms A386T.
Identifiers: ClinVar variation 3348189 (VCV003348189.1).

ClinVar aggregate classification (germline): Uncertain significance (0 of 4 stars; one submission).

Conditions:
GNAS-related disorder. Identifiers: MedGen CN380105.

gnomAD v4.1: 4 of 1,569,974 alleles (0.00025%); highest among the groups gnomAD compares: African/African-American, 0.0041%; no homozygotes.

Submission:

PreventionGenetics, part of Exact Sciences
Classification: Uncertain significance for GNAS-related condition. Last evaluated: 2024-08-23. Review status: no assertion criteria provided. Collection method: clinical testing. Allele origin: germline.
Comment: The GNAS c.1156G>A variant is predicted to result in the amino acid substitution p.Ala386Thr. To our knowledge, this variant has not been reported in the literature. This variant is reported in 0.012% of alleles in individuals of African descent in gnomAD. Although we suspect that this variant may be benign, at this time, the clinical significance of this variant is uncertain due to the absence of conclusive functional and genetic evidence.